The following is an entry in ClinVar:

ClinVar aggregate classification (germline): Uncertain significance (1 of 4 stars; one submission).

Conditions:
Glucose-6-phosphate transport defect (GSD1B). Also called: Glycogen Storage Disease Type Ib; GSD Ib. Identifiers: Orphanet 364, Orphanet 79259, MedGen C0268146, MONDO:0009288, OMIM 232220.

Submission:

Labcorp Genetics (formerly Invitae), Labcorp
Classification: Uncertain significance for Glucose-6-phosphate transport defect. Last evaluated: 2021-12-03. Review status: criteria provided, single submitter. Criteria: Invitae Variant Classification Sherloc (09022015). Collection method: clinical testing. Allele origin: germline.
Comment: This sequence change replaces isoleucine, which is neutral and non-polar, with methionine, which is neutral and non-polar, at codon 140 of the SLC37A4 protein (p.Ile140Met). This variant is not present in population databases (gnomAD no frequency). This variant has not been reported in the literature in individuals affected with SLC37A4-related conditions. Experimental studies and prediction algorithms are not available or were not evaluated, and the functional significance of this variant is currently unknown. In summary, the available evidence is currently insufficient to determine the role of this variant in disease. Therefore, it has been classified as a Variant of Uncertain Significance.

NM_001164277.2(SLC37A4):c.420C>G (p.Ile140Met)

Gene: SLC37A4 (solute carrier family 37 member 4; minus strand). Cytogenetic location: 11q23.3.
Variant type: single nucleotide variant.
Coding change: c.420C>G on transcript NM_001164277.2 (MANE Select); coding-DNA position 420, C replaced by G.
Protein change: p.Ile140Met; replaces isoleucine 140 with methionine.
Molecular consequence: missense variant.
Genome position (GRCh38, 1-based): chr11:119,027,834, G>C on the plus strand (C>G on the coding strand, the complement: SLC37A4 is on the minus strand). VCF-style: chr11-119027834-G-C. GRCh37 (hg19) VCF-style: chr11-118898544-G-C.
Other names: c.420C>G, p.Ile140Met (NM_001164278.2, NM_001164280.2, NM_001467.6); c.201C>G, p.Ile67Met (NM_001164279.2); short protein forms I140M, I67M.
Identifiers: ClinVar variation 1388317 (VCV001388317.3), dbSNP rs2134638252, ClinGen allele CA382903740.